The following is an entry in ClinVar:

NM_000719.7(CACNA1C):c.6211A>T (p.Ile2071Leu)

Genes: CACNA1C (calcium voltage-gated channel subunit alpha1 C; plus strand), CACNA1C-AS1 (CACNA1C antisense RNA 1; minus strand). Cytogenetic location: 12p13.33.
Variant type: single nucleotide variant.
Coding change: c.6211A>T on transcript NM_000719.7 (MANE Select); coding-DNA position 6211, A replaced by T.
Protein change: p.Ile2071Leu; replaces isoleucine 2071 with leucine.
Molecular consequence: missense variant.
Genome position (GRCh38, 1-based): chr12:2,690,993, A>T. VCF-style: chr12-2690993-A-T. GRCh37 (hg19) VCF-style: chr12-2800159-A-T.
Other names: c.6355A>T, p.Ile2119Leu (NM_001129827.2); c.6334A>T, p.Ile2112Leu (NM_001129829.2); c.6316A>T, p.Ile2106Leu (NM_001129830.3, NM_001167624.3); c.6295A>T, p.Ile2099Leu (NM_001129831.2); c.6271A>T, p.Ile2091Leu (NM_001129832.2); c.6268A>T, p.Ile2090Leu (NM_001129833.2, NM_001129834.2, NM_001129835.2); c.6262A>T, p.Ile2088Leu (NM_001129836.2); c.6235A>T, p.Ile2079Leu (NM_001129837.2, NM_001129838.2); and 6 more; short protein forms I2077L, I2099L, I2060L, I2088L, I2131L, I2071L, I2090L, I2112L.
Identifiers: ClinVar variation 4770270 (VCV004770270.1).
Genomic context (GRCh38, chr12:2,690,993, plus strand): 5'-CAAGATCCCAAGTTCATCGAGGTCACCACCCAGGAGCTGGCCGACGCCTGCGACATGACC[A>T]TAGAGGAGATGGAGAGCGCGGCCGACAACATCCTCAGCGGGGGCGCCCCACAGAGCCCCA-3'
Protein context (NP_000710.5, residues 2061-2081): QELADACDMT[Ile2071Leu]EEMESAADNI

ClinVar aggregate classification (germline): Uncertain significance (1 of 4 stars; one submission).

Conditions:
Long QT syndrome (LQTS). Identifiers: MedGen C0023976, MeSH D008133, MONDO:0002442. Disease mechanism: loss of function. Inheritance: Various modes of inheritance.

Submission:

Labcorp Genetics (formerly Invitae), Labcorp
Classification: Uncertain significance for Long QT syndrome. Last evaluated: 2025-09-20. Review status: criteria provided, single submitter. Criteria: Invitae Variant Classification Sherloc (09022015). Collection method: clinical testing. Allele origin: germline.
Comment: This sequence change replaces isoleucine, which is neutral and non-polar, with leucine, which is neutral and non-polar, at codon 2071 of the CACNA1C protein (p.Ile2071Leu). This variant is not present in population databases (gnomAD no frequency). This variant has not been reported in the literature in individuals affected with CACNA1C-related conditions. Invitae Evidence Modeling of protein sequence and biophysical properties (such as structural, functional, and spatial information, amino acid conservation, physicochemical variation, residue mobility, and thermodynamic stability) indicates that this missense variant is not expected to disrupt CACNA1C protein function with a negative predictive value of 95%. In summary, the available evidence is currently insufficient to determine the role of this variant in disease. Therefore, it has been classified as a Variant of Uncertain Significance.